The following is an entry in ClinVar:

NM_001197104.2(KMT2A):c.8920G>T (p.Glu2974Ter)

Gene: KMT2A (lysine methyltransferase 2A; plus strand). Cytogenetic location: 11q23.3.
Variant type: single nucleotide variant.
Coding change: c.8920G>T on transcript NM_001197104.2 (MANE Select); coding-DNA position 8920, G replaced by T.
Protein change: p.Glu2974Ter; replaces glutamic acid 2974 with a stop codon.
Molecular consequence: nonsense.
Genome position (GRCh38, 1-based): chr11:118,504,812, G>T. VCF-style: chr11-118504812-G-T. GRCh37 (hg19) VCF-style: chr11-118375527-G-T.
Other names: c.9010G>T, p.Glu3004Ter (NM_001412597.1); c.8911G>T, p.Glu2971Ter (NM_005933.4); short protein forms E2971*, E2974*, E3004*.
Identifiers: ClinVar variation 4846837 (VCV004846837.1).

ClinVar aggregate classification (germline): Likely pathogenic (1 of 4 stars; one submission).

Conditions:
Wiedemann-Steiner syndrome (WDSTS). Also called: Growth deficiency and mental retardation with facial dysmorphism. Identifiers: Orphanet 319182, MedGen C1854630, MONDO:0011518, OMIM 605130.

Submission:

Laboratorio de Genetica e Diagnostico Molecular, Hospital Israelita Albert Einstein
Classification: Likely pathogenic for Wiedemann-Steiner syndrome. Last evaluated: 2026-02-12. Review status: criteria provided, single submitter. Criteria: ACMG Guidelines, 2015. Collection method: clinical testing. Allele origin: germline. Affected: yes.
Comment: ACMG classification criteria: PVS1 very strong, PM2 supporting